The following is an entry in ClinVar:

NM_138386.3(NAF1):c.1070C>G (p.Ala357Gly)

Gene: NAF1 (nuclear assembly factor 1 ribonucleoprotein; minus strand). Cytogenetic location: 4q32.2.
Variant type: single nucleotide variant.
Coding change: c.1070C>G on transcript NM_138386.3 (MANE Select); coding-DNA position 1070, C replaced by G.
Protein change: p.Ala357Gly; replaces alanine 357 with glycine.
Molecular consequence: missense variant. On other transcripts: intron variant (1).
Genome position (GRCh38, 1-based): chr4:163,129,312, G>C on the plus strand (C>G on the coding strand, the complement: NAF1 is on the minus strand). VCF-style: chr4-163129312-G-C. GRCh37 (hg19) VCF-style: chr4-164050464-G-C.
Other names: c.1034-2197C>G (NM_001128931.2); short protein forms A357G.
Identifiers: ClinVar variation 1909322 (VCV001909322.5), dbSNP rs535309059, ClinGen allele CA3126170.

ClinVar aggregate classification (germline): Uncertain significance (1 of 4 stars; one submission).

Allele frequency attached by ClinVar (database versions not stated): 1000 Genomes Project 30x 0.00016; 1000 Genomes Project 0.00020.
gnomAD v4.1: 11 of 1,613,552 alleles (0.00068%); highest among the groups gnomAD compares: African/African-American, 0.013%; no homozygotes.

Submission:

Labcorp Genetics (formerly Invitae), Labcorp
Classification: Uncertain significance. Last evaluated: 2022-06-13. Review status: criteria provided, single submitter. Criteria: Invitae Variant Classification Sherloc (09022015). Collection method: clinical testing. Allele origin: germline.
Comment: In summary, the available evidence is currently insufficient to determine the role of this variant in disease. Therefore, it has been classified as a Variant of Uncertain Significance. Algorithms developed to predict the effect of missense changes on protein structure and function (SIFT, PolyPhen-2, Align-GVGD) all suggest that this variant is likely to be tolerated. This variant has not been reported in the literature in individuals affected with NAF1-related conditions. This variant is present in population databases (rs535309059, gnomAD 0.02%). This sequence change replaces alanine, which is neutral and non-polar, with glycine, which is neutral and non-polar, at codon 357 of the NAF1 protein (p.Ala357Gly).